The following is an entry in ClinVar:

NM_020921.4(NIN):c.1261A>G (p.Lys421Glu)

Gene: NIN (ninein; minus strand). Cytogenetic location: 14q22.1.
Variant type: single nucleotide variant.
Coding change: c.1261A>G on transcript NM_020921.4 (MANE Select); coding-DNA position 1261, A replaced by G.
Protein change: p.Lys421Glu; replaces lysine 421 with glutamic acid.
Molecular consequence: missense variant.
Genome position (GRCh38, 1-based): chr14:50,770,561, T>C on the plus strand (A>G on the coding strand, the complement: NIN is on the minus strand). VCF-style: chr14-50770561-T-C. GRCh37 (hg19) VCF-style: chr14-51237279-T-C.
Other names: c.1261A>G, p.Lys421Glu (NM_016350.5, NM_182944.3, NM_182946.2); short protein forms K421E.
Identifiers: ClinVar variation 2970575 (VCV002970575.3), dbSNP rs2506059056, ClinGen allele CA389665989.

ClinVar aggregate classification (germline): Uncertain significance (1 of 4 stars; one submission).

Allele frequency attached by ClinVar (database versions not stated): gnomAD exomes below 0.00001.
gnomAD v4.1: 3 of 1,612,392 alleles (0.00019%); highest among the groups gnomAD compares: Admixed American, 0.0034%; no homozygotes.

Submission:

Labcorp Genetics (formerly Invitae), Labcorp
Classification: Uncertain significance. Last evaluated: 2023-07-13. Review status: criteria provided, single submitter. Criteria: Invitae Variant Classification Sherloc (09022015). Collection method: clinical testing. Allele origin: germline.
Comment: This sequence change replaces lysine, which is basic and polar, with glutamic acid, which is acidic and polar, at codon 421 of the NIN protein (p.Lys421Glu). This variant is not present in population databases (gnomAD no frequency). This variant has not been reported in the literature in individuals affected with NIN-related conditions. An algorithm developed to predict the effect of missense changes on protein structure and function (PolyPhen-2) suggests that this variant is likely to be disruptive. In summary, the available evidence is currently insufficient to determine the role of this variant in disease. Therefore, it has been classified as a Variant of Uncertain Significance.